The following is an entry in ClinVar:

ClinVar aggregate classification (germline): Pathogenic (1 of 4 stars; one submission).

Submission:

Labcorp Genetics (formerly Invitae), Labcorp
Classification: Pathogenic. Last evaluated: 2025-09-16. Review status: criteria provided, single submitter. Criteria: Invitae Variant Classification Sherloc (09022015). Collection method: clinical testing. Allele origin: germline.
Comment: This sequence change creates a premature translational stop signal (p.Ser182Leufs*47) in the MMP13 gene. It is expected to result in an absent or disrupted protein product. Loss-of-function variants in MMP13 are known to be pathogenic (PMID: 24781753, 31413057). This variant is not present in population databases (gnomAD no frequency). This variant has not been reported in the literature in individuals affected with MMP13-related conditions. For these reasons, this variant has been classified as Pathogenic.

Literature cited by the submitters: PubMed 24781753; PubMed 31413057.

NM_002427.4(MMP13):c.544del (p.Ser182fs)

Gene: MMP13 (matrix metallopeptidase 13; minus strand). Cytogenetic location: 11q22.2.
Variant type: Deletion.
Coding change: c.544del on transcript NM_002427.4 (MANE Select); coding-DNA position 544, one base deleted (T; older notation c.544delT).
Protein change: p.Ser182fs; shifts the reading frame from serine 182.
Molecular consequence: frameshift variant.
Genome position (GRCh38, 1-based): chr11:102,954,249, A deleted on the plus strand (T on the coding strand, the reverse complement: MMP13 is on the minus strand). VCF-style (leftmost placement, unchanged base first): chr11-102954248-GA-G. GRCh37 (hg19) VCF-style: chr11-102824977-GA-G.
Other names: short protein forms S182fs.
Identifiers: ClinVar variation 4727306 (VCV004727306.1).